The following is an entry in ClinVar:

ClinVar aggregate classification (germline): Uncertain significance. Review status: criteria provided, multiple submitters, no conflicts (2 of 4 stars). 2 submissions from 2 submitters: Uncertain significance (2). Last evaluated 2023-05-09.

Allele frequency attached by ClinVar (database versions not stated): TOPMed 0.00003; gnomAD 0.00001; ExAC 0.00002; gnomAD exomes 0.00004.
gnomAD v4.1: 20 of 1,609,178 alleles (0.0012%); highest among the groups gnomAD compares: Admixed American, 0.0067%; no homozygotes.

Submissions (2):

Mayo Clinic Laboratories, Mayo Clinic
Classification: Uncertain significance. Last evaluated: 2023-05-09. Review status: criteria provided, single submitter. Criteria: ACMG Guidelines, 2015. Collection method: clinical testing. Allele origin: germline. Observed: 1 variant allele.
Comment: PM2

Eurofins Ntd Llc (ga)
Classification: Uncertain significance. Last evaluated: 2017-09-26. Review status: criteria provided, single submitter. Criteria: EGL Classification Definitions 2015. Collection method: clinical testing. Allele origin: germline. Observed: 1 variant allele, 1 heterozygote.

NM_003742.4(ABCB11):c.478A>G (p.Ile160Val)

Gene: ABCB11 (ATP binding cassette subfamily B member 11; minus strand). Cytogenetic location: 2q31.1.
Variant type: single nucleotide variant.
Coding change: c.478A>G on transcript NM_003742.4 (MANE Select); coding-DNA position 478, A replaced by G.
Protein change: p.Ile160Val; replaces isoleucine 160 with valine.
Molecular consequence: missense variant.
Genome position (GRCh38, 1-based): chr2:168,995,482, T>C on the plus strand (A>G on the coding strand, the complement: ABCB11 is on the minus strand). VCF-style: chr2-168995482-T-C. GRCh37 (hg19) VCF-style: chr2-169851992-T-C.
Other names: p.Ile160Val; c.478A>G, p.Ile160Val (LRG_1199t1); short protein forms I160V.
Identifiers: ClinVar variation 594224 (VCV000594224.6), dbSNP rs774354809, ClinGen allele CA1951865.